The following is an entry in ClinVar:

NM_000088.4(COL1A1):c.1925T>A (p.Phe642Tyr)

Gene: COL1A1 (collagen type I alpha 1 chain; minus strand). Cytogenetic location: 17q21.33.
Variant type: single nucleotide variant.
Coding change: c.1925T>A on transcript NM_000088.4 (MANE Select); coding-DNA position 1925, T replaced by A.
Protein change: p.Phe642Tyr; replaces phenylalanine 642 with tyrosine.
Molecular consequence: missense variant.
Genome position (GRCh38, 1-based): chr17:50,192,644, A>T on the plus strand (T>A on the coding strand, the complement: COL1A1 is on the minus strand). VCF-style: chr17-50192644-A-T. GRCh37 (hg19) VCF-style: chr17-48270005-A-T.
Other names: short protein forms F642Y.
Identifiers: ClinVar variation 1311435 (VCV001311435.4), dbSNP rs773957707, ClinGen allele CA400213632.

ClinVar aggregate classification (germline): Uncertain significance. Review status: criteria provided, multiple submitters, no conflicts (2 of 4 stars). 2 submissions from 2 submitters: Uncertain significance (2). Last evaluated 2024-05-13.

Conditions:
Osteogenesis imperfecta type I (OI1). Also called: Classic Non-deforming Osteogenesis Imperfecta with Blue Sclerae; Osteogenesis imperfecta type 1; OI, TYPE I; OSTEOGENESIS IMPERFECTA TARDA; OSTEOGENESIS IMPERFECTA WITH BLUE SCLERAE; Lobstein's Disease. Identifiers: Orphanet 216796, Orphanet 666, MedGen C0023931, MONDO:0008146, OMIM 166200. Disease mechanism: loss of function.

Allele frequency attached by ClinVar (database versions not stated): TOPMed below 0.00001; gnomAD 0.00001.
gnomAD v4.1: 6 of 1,614,092 alleles (0.00037%); highest among the groups gnomAD compares: Non-Finnish European, 0.00051%; no homozygotes.

Submissions (2):

Labcorp Genetics (formerly Invitae), Labcorp
Classification: Uncertain significance for Osteogenesis imperfecta type I. Last evaluated: 2024-05-13. Review status: criteria provided, single submitter. Criteria: Invitae Variant Classification Sherloc (09022015). Collection method: clinical testing. Allele origin: germline.
Comment: This sequence change replaces phenylalanine, which is neutral and non-polar, with tyrosine, which is neutral and polar, at codon 642 of the COL1A1 protein (p.Phe642Tyr). This variant is not present in population databases (gnomAD no frequency). This variant has not been reported in the literature in individuals affected with COL1A1-related conditions. ClinVar contains an entry for this variant (Variation ID: 1311435). Advanced modeling of protein sequence and biophysical properties (such as structural, functional, and spatial information, amino acid conservation, physicochemical variation, residue mobility, and thermodynamic stability) has been performed at Invitae for this missense variant, however the output from this modeling did not meet the statistical confidence thresholds required to predict the impact of this variant on COL1A1 protein function. In summary, the available evidence is currently insufficient to determine the role of this variant in disease. Therefore, it has been classified as a Variant of Uncertain Significance.

GeneDx
Classification: Uncertain significance. Last evaluated: 2020-01-06. Review status: criteria provided, single submitter. Criteria: GeneDx Variant Classification Process June 2021. Collection method: clinical testing. Allele origin: germline. Affected: yes.
Comment: Not observed in large population cohorts (Lek et al., 2016); In silico analysis, which includes protein predictors and evolutionary conservation, supports that this variant does not alter protein structure/function; Has not been previously published as pathogenic or benign to our knowledge